The following is an entry in ClinVar:

NM_001080453.3(INTS1):c.616G>C (p.Val206Leu)

Gene: INTS1 (integrator complex subunit 1; minus strand). Cytogenetic location: 7p22.3.
Variant type: single nucleotide variant.
Coding change: c.616G>C on transcript NM_001080453.3 (MANE Select); coding-DNA position 616, G replaced by C.
Protein change: p.Val206Leu; replaces valine 206 with leucine.
Molecular consequence: missense variant.
Genome position (GRCh38, 1-based): chr7:1,499,952, C>G on the plus strand (G>C on the coding strand, the complement: INTS1 is on the minus strand). VCF-style: chr7-1499952-C-G. GRCh37 (hg19) VCF-style: chr7-1539588-C-G.
Other names: short protein forms V206L.
Identifiers: ClinVar variation 992756 (VCV000992756.3), dbSNP rs370240975, ClinGen allele CA4120711.

ClinVar aggregate classification (germline): Uncertain significance. Review status: criteria provided, multiple submitters, no conflicts (2 of 4 stars). 2 submissions from 2 submitters: Uncertain significance (2). Last evaluated 2025-01-24.

Conditions:
Inborn genetic diseases. Identifiers: MedGen C0950123, MeSH D030342.
Neurodevelopmental disorder with cataracts, poor growth, and dysmorphic facies. Identifiers: MedGen C5231414, MONDO:0032817, OMIM 618571.

Allele frequency attached by ClinVar (database versions not stated): gnomAD exomes below 0.00001; TOPMed below 0.00001; ExAC 0.00001; gnomAD 0.00001; ESP Exome Variant Server 0.00008.
gnomAD v4.1: 2 of 1,613,612 alleles (0.00012%); highest among the groups gnomAD compares: Non-Finnish European, 0.00017%; no homozygotes.

Submissions (2):

Ambry Genetics
Classification: Uncertain significance for Inborn genetic diseases. Last evaluated: 2025-01-24. Review status: criteria provided, single submitter. Criteria: Ambry Variant Classification Scheme 2023. Collection method: clinical testing. Allele origin: germline.

New York Genome Center
Classification: Uncertain significance for Neurodevelopmental disorder with cataracts, poor growth, and dysmorphic facies. Last evaluated: 2019-09-13. Review status: criteria provided, single submitter. Criteria: NYGC Assertion Criteria 2020. Collection method: clinical testing. Allele origin: inherited. Observed: 1 compound heterozygote. Study: CSER-NYCKidSeq.
Comment: The inherited c.616G>C (p.Val206Leu) variant identified in the INTS1 gene substitutes a completely conserved Valine for Leucine at amino acid 206/2191 (coding exon 5/48). This variant is found with low frequency in gnomAD (1 heterozygote, 0 homozygotes; allele frequency: 4.03e-6), and is absent from ExAC, suggesting it is not a common benign variant in the populations represented in these databases. In silico algorithms do not agree on the effect of this variant, as it is predicted both Neutral (Provean; score: -1.74) and Damaging (SIFT; score: 0.019) to the function of the canonical transcript. This variant is absent from ClinVar and to our current knowledge has not been reported in affected individuals in the literauture. Given the lack of compelling evidence supporting its pathogenicity, the c.616G>C (p.Val206Leu) variant identified in the INTS1 gene is reported here as a Variant of Uncertain Significiance.